The following is an entry in ClinVar:

NM_172107.4(KCNQ2):c.1302-1G>T

Gene: KCNQ2 (potassium voltage-gated channel subfamily Q member 2; minus strand). Cytogenetic location: 20q13.33.
Variant type: single nucleotide variant.
Coding change: c.1302-1G>T on transcript NM_172107.4 (MANE Select); the canonical splice acceptor site of the intron before coding-DNA position 1302, G replaced by T.
Molecular consequence: splice acceptor variant. On other transcripts: intron variant (1).
Genome position (GRCh38, 1-based): chr20:63,415,127, C>A on the plus strand (G>T on the coding strand, the complement: KCNQ2 is on the minus strand). VCF-style: chr20-63415127-C-A. GRCh37 (hg19) VCF-style: chr20-62046480-C-A.
Other names: c.1218-1G>T (NM_004518.6); c.1248-37G>T (NM_172108.5); c.1248-1G>T (NM_172106.3, NM_001382235.1).
Identifiers: ClinVar variation 2757450 (VCV002757450.3), dbSNP rs118192225, ClinGen allele CA409646993.

ClinVar aggregate classification (germline): Pathogenic (1 of 4 stars; one submission).

Conditions:
Early-infantile DEE. Also called: Ohtahara syndrome; Early infantile epileptic encephalopathy; Early infantile epileptic encephalopathy with suppression bursts. Identifiers: Orphanet 1934, MedGen C0393706, MONDO:0800491.

Submission:

Labcorp Genetics (formerly Invitae), Labcorp
Classification: Pathogenic for Early-infantile DEE. Last evaluated: 2024-08-29. Review status: criteria provided, single submitter. Criteria: Invitae Variant Classification Sherloc (09022015). Collection method: clinical testing. Allele origin: germline.
Comment: This sequence change affects an acceptor splice site in intron 12 of the KCNQ2 gene. It is expected to disrupt RNA splicing. Variants that disrupt the donor or acceptor splice site typically lead to a loss of protein function (PMID: 16199547), and loss-of-function variants in KCNQ2 are known to be pathogenic (PMID: 14534157, 23692823, 27779742). This variant is not present in population databases (gnomAD no frequency). Disruption of this splice site has been observed in individual(s) with clinical features of KCNQ2-related conditions (internal data). In at least one individual the variant was observed to be de novo. Algorithms developed to predict the effect of sequence changes on RNA splicing suggest that this variant may disrupt the consensus splice site. For these reasons, this variant has been classified as Pathogenic.

Literature cited by the submitters: PubMed 16199547; PubMed 14534157; PubMed 23692823; PubMed 27779742.